The following is an entry in ClinVar:

ClinVar aggregate classification (germline): Conflicting classifications of pathogenicity. Review status: criteria provided, conflicting classifications (1 of 4 stars). 2 submissions from 2 submitters: Likely pathogenic (1); Uncertain significance (1). Last evaluated 2022-10-03.

Conditions:
FBN1-related disorder. Also called: FBN1-related disorders.

Submissions (2):

Blueprint Genetics
Classification: Likely pathogenic for FBN1-related disorders. Last evaluated: 2022-10-03. Review status: criteria provided, single submitter. Criteria: ACMG Guidelines, 2015. Collection method: clinical testing. Allele origin: germline. Affected: yes. Observed: 1 variant allele.

Women's Health and Genetics/Laboratory Corporation of America, LabCorp
Classification: Uncertain significance. Last evaluated: 2018-03-12. Review status: criteria provided, single submitter. Criteria: LabCorp Variant Classification Summary - May 2015. Collection method: clinical testing. Allele origin: germline.
Comment: Variant summary: FBN1 c.4954T>C (p.Cys1652Arg) results in a non-conservative amino acid change of a cysteine to an arginine and located in the one of the EGF-like calcium-binding domains of the encoded protein sequence. Five of five in-silico tools predict a damaging effect of the variant on protein function. The variant was absent in 245880 control chromosomes. The available data on variant occurrences in the general population are insufficient to allow any conclusion about variant significance. To our knowledge, no occurrence of c.4954T>C in individuals affected with Marfan Syndrome and no experimental evidence demonstrating its impact on protein function have been reported. However, a nearby variant (c.4955G>A) leading to an amino acid change at the same residue (p.C1652Y) has been reported by several databases as being found in patients, indicating that the residue may be important for proper function. No clinical diagnostic laboratories have submitted clinical-significance assessments for this variant to ClinVar after 2014. Based on the evidence outlined above, the variant was classified as VUS-possibly pathogenic.

NM_000138.5(FBN1):c.4954T>C (p.Cys1652Arg)

Gene: FBN1 (fibrillin 1; minus strand). Cytogenetic location: 15q21.1.
Variant type: single nucleotide variant.
Coding change: c.4954T>C on transcript NM_000138.5 (MANE Select); coding-DNA position 4954, T replaced by C.
Protein change: p.Cys1652Arg; replaces cysteine 1652 with arginine.
Molecular consequence: missense variant.
Genome position (GRCh38, 1-based): chr15:48,464,010, A>G on the plus strand (T>C on the coding strand, the complement: FBN1 is on the minus strand). VCF-style: chr15-48464010-A-G. GRCh37 (hg19) VCF-style: chr15-48756207-A-G.
Other names: short protein forms C1652R.
Identifiers: ClinVar variation 632803 (VCV000632803.2), dbSNP rs1566903565, ClinGen allele CA392350492.
Genomic context (GRCh38, chr15:48,464,010, plus strand): 5'-AGGTGTAGTTGCCAACGGTGTTGTAACATGTCCCTGGACCACAGATTCCAGGAGTCTCAC[A>G]TTCATTCACATCTATAATCCAAAGAGAAAGTGGTATGTGAATATGAAAACTTCACATTTT-3'
Protein context (NP_000129.3, residues 1642-1662): DTRVCDDVNE[Cys1652Arg]ETPGICGPGT